The following is an entry in ClinVar:

ClinVar aggregate classification (germline): Uncertain significance. Review status: criteria provided, multiple submitters, no conflicts (2 of 4 stars). 3 submissions from 3 submitters: Uncertain significance (3). Last evaluated 2026-01-08.

Conditions:
Familial meningioma. Also called: Meningioma, familial, susceptibility to. Identifiers: Orphanet 263662, MedGen C3551915, MONDO:0011789, OMIM 607174.
Neurofibromatosis, type 2 (SWNV). Also called: BILATERAL ACOUSTIC NEUROFIBROMATOSIS; NF2-Related Schwannomatosis; SCHWANNOMATOSIS, VESTIBULAR. Identifiers: Orphanet 637, MedGen C0027832, MONDO:0007039, OMIM 101000. Disease mechanism: loss of function.
Hereditary cancer-predisposing syndrome. Also called: Neoplastic Syndromes, Hereditary; Hereditary Cancer Syndrome; Hereditary neoplastic syndrome; Tumor predisposition. Identifiers: Orphanet 140162, MedGen C0027672, MeSH D009386, MONDO:0015356.

Allele frequency attached by ClinVar (database versions not stated): gnomAD exomes below 0.00001; ExAC 0.00001.
gnomAD v4.1: 4 of 1,614,006 alleles (0.00025%); highest among the groups gnomAD compares: Middle Eastern, 0.05%; no homozygotes.

Submissions (3):

Labcorp Genetics (formerly Invitae), Labcorp
Classification: Uncertain significance for Neurofibromatosis, type 2. Last evaluated: 2026-01-08. Review status: criteria provided, single submitter. Criteria: Invitae Variant Classification Sherloc (09022015). Collection method: clinical testing. Allele origin: germline.
Comment: This sequence change replaces isoleucine, which is neutral and non-polar, with valine, which is neutral and non-polar, at codon 126 of the NF2 protein (p.Ile126Val). This variant is not present in population databases (gnomAD no frequency). This variant has not been reported in the literature in individuals affected with NF2-related conditions. ClinVar contains an entry for this variant (Variation ID: 1058201). Invitae Evidence Modeling of protein sequence and biophysical properties (such as structural, functional, and spatial information, amino acid conservation, physicochemical variation, residue mobility, and thermodynamic stability) has been performed for this missense variant. However, the output from this modeling did not meet the statistical confidence thresholds required to predict the impact of this variant on NF2 protein function. In summary, the available evidence is currently insufficient to determine the role of this variant in disease. Therefore, it has been classified as a Variant of Uncertain Significance.

Baylor Genetics
Classification: Uncertain significance for Familial meningioma. Last evaluated: 2023-12-20. Review status: criteria provided, single submitter. Criteria: ACMG Guidelines, 2015. Collection method: clinical testing. Allele origin: unknown.

Ambry Genetics
Classification: Uncertain significance for Hereditary cancer-predisposing syndrome. Last evaluated: 2023-11-16. Review status: criteria provided, single submitter. Criteria: Ambry Variant Classification Scheme 2023. Collection method: clinical testing. Allele origin: germline.
Comment: The p.I126V variant (also known as c.376A>G), located in coding exon 4 of the NF2 gene, results from an A to G substitution at nucleotide position 376. The isoleucine at codon 126 is replaced by valine, an amino acid with highly similar properties. This amino acid position is highly conserved in available vertebrate species. In addition, the in silico prediction for this alteration is inconclusive. Since supporting evidence is limited at this time, the clinical significance of this alteration remains unclear.

NM_000268.4(NF2):c.376A>G (p.Ile126Val)

Gene: NF2 (NF2, moesin-ezrin-radixin like (MERLIN) tumor suppressor; plus strand). Cytogenetic location: 22q12.2.
Variant type: single nucleotide variant.
Coding change: c.376A>G on transcript NM_000268.4 (MANE Select); coding-DNA position 376, A replaced by G.
Protein change: p.Ile126Val; replaces isoleucine 126 with valine.
Molecular consequence: missense variant. On other transcripts: non-coding transcript variant (1).
Genome position (GRCh38, 1-based): chr22:29,642,214, A>G. VCF-style: chr22-29642214-A-G. GRCh37 (hg19) VCF-style: chr22-30038203-A-G.
Other names: c.376A>G, p.Ile126Val (NM_016418.5, NM_181825.3, NM_181832.3 and 1 more transcripts); c.250A>G, p.Ile84Val (NM_181828.3); c.253A>G, p.Ile85Val (NM_181829.3); c.127A>G, p.Ile43Val (NM_181830.3, NM_181831.3); short protein forms I126V, I43V, I84V, I85V.
Identifiers: ClinVar variation 1058201 (VCV001058201.12), dbSNP rs780483061, ClinGen allele CA031871.